The following is an entry in ClinVar:

ClinVar aggregate classification (germline): Benign. Review status: criteria provided, multiple submitters, no conflicts (2 of 4 stars). 2 submissions from 2 submitters: Benign (2). Last evaluated 2018-01-13.

Conditions:
Holoprosencephaly 4 (HPE4). Identifiers: Orphanet 2162, MedGen C1840528, MONDO:0007734, OMIM 142946.

Allele frequency attached by ClinVar (database versions not stated): 1000 Genomes Project 30x 0.09619; gnomAD 0.12651 and 0.12741; 1000 Genomes Project 0.09385; TOPMed 0.11975; gnomAD exomes 0.13070.
gnomAD v4.1: 127,802 of 985,488 alleles (13%); highest among the groups gnomAD compares: Non-Finnish European, 13%; 8,450 homozygotes.

Submissions (2):

Illumina Laboratory Services, Illumina
Classification: Benign for Holoprosencephaly 4. Last evaluated: 2018-01-13. Review status: criteria provided, single submitter. Criteria: ICSL Variant Classification Criteria 13 December 2019. Collection method: clinical testing. Allele origin: germline.
Comment: This variant was observed in the ICSL laboratory as part of a predisposition screen in an ostensibly healthy population. It had not been previously curated by ICSL or reported in the Human Gene Mutation Database (HGMD: prior to June 1st, 2018), and was therefore a candidate for classification through an automated scoring system. Utilizing variant allele frequency, disease prevalence and penetrance estimates, and inheritance mode, an automated score was calculated to assess if this variant is too frequent to cause the disease. Based on the score and internal cut-off values, a variant classified as benign is not then subjected to further curation. The score for this variant resulted in a classification of benign for this disease.

Breakthrough Genomics
Classification: Benign. Review status: criteria provided, single submitter. Criteria: ACMG Guidelines, 2015. Collection method: not provided. Allele origin: germline. Inheritance: Autosomal dominant inheritance. Affected: yes.

NM_173208.3(TGIF1):c.-462G>A

Gene: TGIF1 (TGFB induced factor homeobox 1; plus strand). Cytogenetic location: 18p11.31.
Variant type: single nucleotide variant.
Coding change: c.-462G>A on transcript NM_173208.3; 462 bases upstream of the start codon, G replaced by A.
Molecular consequence: 5 prime UTR variant. On other transcripts: intron variant (5).
Genome position (GRCh38, 1-based): chr18:3,449,777, G>A. VCF-style: chr18-3449777-G-A. GRCh37 (hg19) VCF-style: chr18-3449775-G-A.
Other names: c.-459G>A (NM_001278684.2); c.-338G>A (NM_173209.3); c.-44-6577G>A (NM_174886.3, NM_001278686.3); c.58+1980G>A (NM_173207.4); c.-45+1238G>A (NM_001374396.1); c.25+121G>A (NM_001278682.2).
Identifiers: ClinVar variation 889042 (VCV000889042.7), dbSNP rs2238538, ClinGen allele CA295561858.